The following is an entry in ClinVar:

ClinVar aggregate classification (germline): Likely benign. Review status: criteria provided, multiple submitters, no conflicts (2 of 4 stars). 2 submissions from 2 submitters: Likely benign (2). Last evaluated 2024-02-19.

Allele frequency attached by ClinVar (database versions not stated): ExAC 0.00001; gnomAD 0.00001; TOPMed 0.00001; gnomAD exomes 0.00004.

Submissions (2):

Labcorp Genetics (formerly Invitae), Labcorp
Classification: Likely benign. Last evaluated: 2024-02-19. Review status: criteria provided, single submitter. Criteria: Invitae Variant Classification Sherloc (09022015). Collection method: clinical testing. Allele origin: germline.

CeGaT Center for Human Genetics Tuebingen
Classification: Likely benign. Last evaluated: 2023-01-01. Review status: criteria provided, single submitter. Criteria: CeGaT Center For Human Genetics Tuebingen Variant Classification Criteria Version 2. Collection method: clinical testing. Allele origin: germline. Affected: yes. Observed: 1 variant allele.
Comment: MCM2: BP4, BP7

NM_004526.4(MCM2):c.765G>A (p.Leu255=)

Gene: MCM2 (minichromosome maintenance complex component 2; plus strand). Cytogenetic location: 3q21.3.
Variant type: single nucleotide variant.
Coding change: c.765G>A on transcript NM_004526.4 (MANE Select); coding-DNA position 765, G replaced by A.
Protein change: p.Leu255=; no amino-acid change (leucine 255 retained).
Molecular consequence: synonymous variant. On other transcripts: non-coding transcript variant (1).
Genome position (GRCh38, 1-based): chr3:127,606,209, G>A. VCF-style: chr3-127606209-G-A. GRCh37 (hg19) VCF-style: chr3-127325052-G-A.
Identifiers: ClinVar variation 2654105 (VCV002654105.26), dbSNP rs750376865, ClinGen allele CA2595708.